The following is an entry in ClinVar:

NM_014611.3(MDN1):c.10725A>G (p.Arg3575=)

Gene: MDN1 (midasin AAA ATPase 1; minus strand). Cytogenetic location: 6q15.
Variant type: single nucleotide variant.
Coding change: c.10725A>G on transcript NM_014611.3 (MANE Select); coding-DNA position 10725, A replaced by G.
Protein change: p.Arg3575=; no amino-acid change (arginine 3575 retained).
Molecular consequence: synonymous variant.
Genome position (GRCh38, 1-based): chr6:89,690,697, T>C on the plus strand (A>G on the coding strand, the complement: MDN1 is on the minus strand). VCF-style: chr6-89690697-T-C. GRCh37 (hg19) VCF-style: chr6-90400416-T-C.
Identifiers: ClinVar variation 3050535 (VCV003050535.2), dbSNP rs74577567, ClinGen allele CA3923529.

ClinVar aggregate classification (germline): Benign (0 of 4 stars; one submission).

Conditions:
MDN1-related disorder. Also called: MDN1-related condition.

Allele frequency attached by ClinVar (database versions not stated): ESP Exome Variant Server 0.00015; gnomAD 0.00113; gnomAD exomes 0.00120; TOPMed 0.00147; ExAC 0.00282; 1000 Genomes Project 30x 0.00500; 1000 Genomes Project 0.00579.
gnomAD v4.1: 1,977 of 1,614,136 alleles (0.12%); highest among the groups gnomAD compares: East Asian, 3.5%; 27 homozygotes.

Submission:

PreventionGenetics, part of Exact Sciences
Classification: Benign for MDN1-related condition. Last evaluated: 2019-07-10. Review status: no assertion criteria provided. Collection method: clinical testing. Allele origin: germline.
Comment: This variant is classified as benign based on ACMG/AMP sequence variant interpretation guidelines (Richards et al. 2015 PMID: 25741868, with internal and published modifications).